The following is an entry in ClinVar:

ClinVar aggregate classification (germline): Conflicting classifications of pathogenicity. Review status: criteria provided, conflicting classifications (1 of 4 stars). 5 submissions from 5 submitters: Uncertain significance (2); Likely benign (3). Last evaluated 2025-04-10.

Conditions:
Hereditary cancer-predisposing syndrome. Also called: Tumor predisposition; Neoplastic Syndromes, Hereditary; Hereditary Cancer Syndrome; Hereditary neoplastic syndrome. Identifiers: Orphanet 140162, MedGen C0027672, MeSH D009386, MONDO:0015356.
Familial cancer of breast. Also called: Hereditary breast cancer; BREAST CANCER, FAMILIAL; hereditary breast carcinoma. Identifiers: Orphanet 227535, MedGen C0346153, MONDO:0016419, OMIM 114480. Disease mechanism: loss of function.

Allele frequency attached by ClinVar (database versions not stated): gnomAD exomes below 0.00001; gnomAD 0.00002 and 0.00004; TOPMed 0.00003.
gnomAD v4.1: 5 of 1,614,022 alleles (0.00031%); highest among the groups gnomAD compares: African/African-American, 0.0067%; no homozygotes.

Submissions (5):

Labcorp Genetics (formerly Invitae), Labcorp
Classification: Likely benign for Familial cancer of breast. Last evaluated: 2025-04-10. Review status: criteria provided, single submitter. Criteria: Invitae Variant Classification Sherloc (09022015). Collection method: clinical testing. Allele origin: germline.

Myriad Genetics, Inc.
Classification: Likely benign for Familial cancer of breast. Last evaluated: 2025-01-14. Review status: criteria provided, single submitter. Criteria: Myriad Autosomal Dominant, Autosomal Recessive and X-Linked Classification Criteria (2023). Collection method: clinical testing. Allele origin: unknown.
Comment: This variant is considered likely benign. This variant has been observed in trans with a known pathogenic variant in one or more individuals lacking clinical features consistent with gene-specific recessive disease.

Ambry Genetics
Classification: Likely benign for Hereditary cancer-predisposing syndrome. Last evaluated: 2024-11-14. Review status: criteria provided, single submitter. Criteria: Ambry Variant Classification Scheme 2023. Collection method: clinical testing. Allele origin: germline.

Color Diagnostics, LLC DBA Color Health
Classification: Uncertain significance for Hereditary cancer-predisposing syndrome. Last evaluated: 2024-03-06. Review status: criteria provided, single submitter. Criteria: ACMG Guidelines, 2015. Collection method: clinical testing. Allele origin: germline.
Comment: This missense variant replaces aspartic acid with asparagine at codon 585 of the PALB2 protein. Computational prediction suggests that this variant may not impact protein structure and function (internally defined REVEL score threshold <= 0.5, PMID: 27666373). To our knowledge, functional studies have not been reported for this variant. This variant has not been reported in individuals affected with hereditary cancer in the literature. This variant has been identified in 1/250730 chromosomes in the general population by the Genome Aggregation Database (gnomAD). The available evidence is insufficient to determine the role of this variant in disease conclusively. Therefore, this variant is classified as a Variant of Uncertain Significance.

GeneDx
Classification: Uncertain significance. Last evaluated: 2022-08-18. Review status: criteria provided, single submitter. Criteria: GeneDx Variant Classification Process June 2021. Collection method: clinical testing. Allele origin: germline. Affected: yes.
Comment: Not observed at significant frequency in large population cohorts (gnomAD); In silico analysis supports that this missense variant does not alter protein structure/function; Has not been previously published as pathogenic or benign to our knowledge

NM_024675.4(PALB2):c.1753G>A (p.Asp585Asn)

Gene: PALB2 (partner and localizer of BRCA2; minus strand). Cytogenetic location: 16p12.2.
Variant type: single nucleotide variant.
Coding change: c.1753G>A on transcript NM_024675.4 (MANE Select); coding-DNA position 1753, G replaced by A.
Protein change: p.Asp585Asn; replaces aspartic acid 585 with asparagine.
Molecular consequence: missense variant.
Genome position (GRCh38, 1-based): chr16:23,630,401, C>T on the plus strand (G>A on the coding strand, the complement: PALB2 is on the minus strand). VCF-style: chr16-23630401-C-T. GRCh37 (hg19) VCF-style: chr16-23641722-C-T.
Other names: short protein forms D585N.
Identifiers: ClinVar variation 241533 (VCV000241533.26), dbSNP rs878855102, ClinGen allele CA10583370.